The following is an entry in ClinVar:

ClinVar aggregate classification (germline): Pathogenic (1 of 4 stars; one submission).

Conditions:
Peroxisome biogenesis disorder. Identifiers: Orphanet 79189, MedGen C1832200, MONDO:0019234. Disease mechanism: loss of function.

Submission:

Labcorp Genetics (formerly Invitae), Labcorp
Classification: Pathogenic for Peroxisome biogenesis disorder. Last evaluated: 2023-08-11. Review status: criteria provided, single submitter. Criteria: Invitae Variant Classification Sherloc (09022015). Collection method: clinical testing. Allele origin: germline.
Comment: For these reasons, this variant has been classified as Pathogenic. This variant has not been reported in the literature in individuals affected with PEX16-related conditions. This variant is not present in population databases (gnomAD no frequency). This sequence change creates a premature translational stop signal (p.Trp238*) in the PEX16 gene. It is expected to result in an absent or disrupted protein product. Loss-of-function variants in PEX16 are known to be pathogenic (PMID: 9837814, 11890679, 20647552, 20681997).

Literature cited by the submitters: PubMed 9837814; PubMed 11890679; PubMed 20647552; PubMed 20681997.

NM_004813.4(PEX16):c.714G>A (p.Trp238Ter)

Gene: PEX16 (peroxisomal biogenesis factor 16; minus strand). Cytogenetic location: 11p11.2.
Variant type: single nucleotide variant.
Coding change: c.714G>A on transcript NM_004813.4 (MANE Select); coding-DNA position 714, G replaced by A.
Protein change: p.Trp238Ter; replaces tryptophan 238 with a stop codon.
Molecular consequence: nonsense.
Genome position (GRCh38, 1-based): chr11:45,914,184, C>T on the plus strand (G>A on the coding strand, the complement: PEX16 is on the minus strand). VCF-style: chr11-45914184-C-T. GRCh37 (hg19) VCF-style: chr11-45935735-C-T.
Other names: c.714G>A, p.Trp238Ter (NM_057174.3); short protein forms W238*.
Identifiers: ClinVar variation 3002716 (VCV003002716.3), dbSNP rs2494894758, ClinGen allele CA380226842.